The following is an entry in ClinVar:

ClinVar aggregate classification (germline): Uncertain significance. Review status: criteria provided, multiple submitters, no conflicts (2 of 4 stars). 4 submissions from 4 submitters: Uncertain significance (2). 2 of the submissions do not count toward it. Last evaluated 2021-08-27.

Conditions:
Cardiovascular phenotype. Identifiers: MedGen CN230736.
Familial hypobetalipoproteinemia 1. Also called: Hypobetalipoproteinemia, normotriglyceridemic; Acanthocytosis with hypobetalipoproteinemia; APOB-Related Familial Hypobetalipoproteinemia. Identifiers: MedGen C4551990, MONDO:0014252, OMIM 615558.
Hypercholesterolemia, autosomal dominant, type B (FHCL2). Also called: Familial Hypercholesterolemia Type B; HYPERCHOLESTEROLEMIA, FAMILIAL, DUE TO LIGAND-DEFECTIVE APOLIPOPROTEIN B; Familial hypercholesterolemia 2; APOB-Related Familial Hypercholesterolemia, Autosomal Dominant; APOLIPOPROTEIN B-100, FAMILIAL DEFECTIVE; APOLIPOPROTEIN B-100, FAMILIAL LIGAND-DEFECTIVE. Identifiers: MedGen C1704417, MONDO:0007751, OMIM 144010.

Allele frequency attached by ClinVar (database versions not stated): gnomAD exomes below 0.00001; gnomAD 0.00002; TOPMed 0.00002.
gnomAD v4.1: 41 of 1,614,022 alleles (0.0025%); highest among the groups gnomAD compares: African/African-American, 0.024%; 1 homozygote.

Submissions (4):

Labcorp Genetics (formerly Invitae), Labcorp
Classification: Uncertain significance for Familial hypobetalipoproteinemia 1; Hypercholesterolemia, autosomal dominant, type B. Last evaluated: 2021-08-27. Review status: criteria provided, single submitter. Criteria: Invitae Variant Classification Sherloc (09022015). Collection method: clinical testing. Allele origin: germline.
Comment: This sequence change replaces threonine with isoleucine at codon 2882 of the APOB protein (p.Thr2882Ile). The threonine residue is moderately conserved and there is a moderate physicochemical difference between threonine and isoleucine. This variant is not present in population databases (ExAC no frequency). This variant has not been reported in the literature in individuals affected with APOB-related conditions. Algorithms developed to predict the effect of missense changes on protein structure and function are either unavailable or do not agree on the potential impact of this missense change (SIFT: "Deleterious"; PolyPhen-2: "Benign"; Align-GVGD: "Class C0"). In summary, the available evidence is currently insufficient to determine the role of this variant in disease. Therefore, it has been classified as a Variant of Uncertain Significance.

Ambry Genetics
Classification: Uncertain significance for Cardiovascular phenotype. Last evaluated: 2017-04-03. Review status: criteria provided, single submitter. Criteria: Ambry Variant Classification Scheme 2023. Collection method: clinical testing. Allele origin: germline.
Comment: The p.T2882I variant (also known as c.8645C>T), located in coding exon 26 of the APOB gene, results from a C to T substitution at nucleotide position 8645. The threonine at codon 2882 is replaced by isoleucine, an amino acid with similar properties. This amino acid position is not well conserved in available vertebrate species. In addition, this alteration is predicted to be tolerated by in silico analysis. Since supporting evidence is limited at this time, the clinical significance of this alteration remains unclear.

Clinical Genetics DNA and cytogenetics Diagnostics Lab, Erasmus MC, Erasmus Medical Center
Classification: Uncertain significance. Review status: no assertion criteria provided. Collection method: clinical testing. Allele origin: germline. Affected: yes. Study: VKGL Data-share Consensus. Not counted in ClinVar's aggregate classification.

Diagnostic Laboratory, Department of Genetics, University Medical Center Groningen
Classification: Uncertain significance. Review status: no assertion criteria provided. Collection method: clinical testing. Allele origin: germline. Affected: yes. Study: VKGL Data-share Consensus. Not counted in ClinVar's aggregate classification.

NM_000384.3(APOB):c.8645C>T (p.Thr2882Ile)

Gene: APOB (apolipoprotein B; minus strand). Cytogenetic location: 2p24.1.
Variant type: single nucleotide variant.
Coding change: c.8645C>T on transcript NM_000384.3 (MANE Select); coding-DNA position 8645, C replaced by T.
Protein change: p.Thr2882Ile; replaces threonine 2882 with isoleucine.
Molecular consequence: missense variant.
Genome position (GRCh38, 1-based): chr2:21,008,223, G>A on the plus strand (C>T on the coding strand, the complement: APOB is on the minus strand). VCF-style: chr2-21008223-G-A. GRCh37 (hg19) VCF-style: chr2-21231095-G-A.
Other names: short protein forms T2882I.
Identifiers: ClinVar variation 924098 (VCV000924098.15), dbSNP rs113399155, ClinGen allele CA43500094.